The following is an entry in ClinVar:

NM_004113.6(FGF12):c.86G>A (p.Gly29Asp)

Gene: FGF12 (fibroblast growth factor 12; minus strand). Cytogenetic location: 3q28.
Variant type: single nucleotide variant.
Coding change: c.86G>A on transcript NM_004113.6 (MANE Select); coding-DNA position 86, G replaced by A.
Protein change: p.Gly29Asp; replaces glycine 29 with aspartic acid.
Molecular consequence: missense variant. On other transcripts: intron variant (1).
Genome position (GRCh38, 1-based): chr3:192,360,466, C>T on the plus strand (G>A on the coding strand, the complement: FGF12 is on the minus strand). VCF-style: chr3-192360466-C-T. GRCh37 (hg19) VCF-style: chr3-192078255-C-T.
Other names: c.14G>A, p.Gly5Asp (NM_001377293.1, NM_001377294.1); c.272G>A, p.Gly91Asp (NM_021032.5); c.14-25002G>A (NM_001377292.1); short protein forms G91D, G5D, G29D.
Identifiers: ClinVar variation 1426244 (VCV001426244.8), dbSNP rs2108732563, ClinGen allele CA355867051.

ClinVar aggregate classification (germline): Uncertain significance (1 of 4 stars; one submission).

Submission:

Labcorp Genetics (formerly Invitae), Labcorp
Classification: Uncertain significance. Last evaluated: 2021-05-06. Review status: criteria provided, single submitter. Criteria: Invitae Variant Classification Sherloc (09022015). Collection method: clinical testing. Allele origin: germline.
Comment: Algorithms developed to predict the effect of missense changes on protein structure and function (SIFT, PolyPhen-2, Align-GVGD) all suggest that this variant is likely to be disruptive, but these predictions have not been confirmed by published functional studies and their clinical significance is uncertain. In summary, the available evidence is currently insufficient to determine the role of this variant in disease. Therefore, it has been classified as a Variant of Uncertain Significance. This variant has not been reported in the literature in individuals with FGF12-related conditions. This sequence change replaces glycine with aspartic acid at codon 91 of the FGF12 protein (p.Gly91Asp). The glycine residue is highly conserved and there is a moderate physicochemical difference between glycine and aspartic acid. This variant is not present in population databases (ExAC no frequency).